The following is an entry in ClinVar:

ClinVar aggregate classification (germline): Conflicting classifications of pathogenicity. Review status: criteria provided, conflicting classifications (1 of 4 stars). 3 submissions from 3 submitters: Pathogenic (1); Uncertain significance (1). 1 of the submissions does not count toward it. Last evaluated 2024-01-05.

Conditions:
Charcot-Marie-Tooth disease. Also called: Charcot-Marie-Tooth Hereditary Neuropathy; Charcot-Marie-Tooth Neuropathy. Identifiers: Orphanet 166, MedGen C0007959, MONDO:0015626.
Charcot-Marie-Tooth disease, type I (CMT1). Also called: Charcot-Marie-Tooth, Type 1; Charcot-Marie-Tooth disease type 1. Identifiers: Orphanet 65753, MedGen C0751036, MONDO:0019011.
Charcot-Marie-Tooth disease type 1B. Also called: CHARCOT-MARIE-TOOTH DISEASE, AUTOSOMAL DOMINANT, WITH FOCALLY FOLDED MYELIN SHEATHS, TYPE 1B; CHARCOT-MARIE-TOOTH DISEASE, SLOW NERVE CONDUCTION TYPE, LINKED TO DUFFY; CHARCOT-MARIE-TOOTH NEUROPATHY, TYPE 1B; PERONEAL MUSCULAR ATROPHY; HEREDITARY MOTOR AND SENSORY NEUROPATHY I; HEREDITARY MOTOR AND SENSORY NEUROPATHY IB. Identifiers: Orphanet 101082, MedGen C0270912, MONDO:0007307, OMIM 118200.

Submissions (3):

Labcorp Genetics (formerly Invitae), Labcorp
Classification: Uncertain significance for Charcot-Marie-Tooth disease, type I. Last evaluated: 2024-01-05. Review status: criteria provided, single submitter. Criteria: Invitae Variant Classification Sherloc (09022015). Collection method: clinical testing. Allele origin: germline.
Comment: This variant results in the deletion of part of exon 6 (c.646-10_650del) of the MPZ gene. While this variant is not anticipated to result in nonsense mediated decay, it likely alters RNA splicing and results in a disrupted protein product. This variant is not present in population databases (gnomAD no frequency). This variant has been observed in individual(s) with clinical features of MPZ-related conditions (PMID: 25614874). ClinVar contains an entry for this variant (Variation ID: 217234). Variants that disrupt the consensus splice site are a relatively common cause of aberrant splicing (PMID: 17576681, 9536098). In summary, the available evidence is currently insufficient to determine the role of this variant in disease. Therefore, it has been classified as a Variant of Uncertain Significance.

Athena Diagnostics
Classification: Pathogenic for Charcot-Marie-Tooth disease, type IB. Last evaluated: 2015-08-07. Review status: criteria provided, single submitter. Criteria: Athena Diagnostics Criteria. Collection method: clinical testing. Allele origin: germline. Inheritance: Autosomal dominant inheritance.

Inherited Neuropathy Consortium
Classification: Pathogenic for Charcot-Marie-Tooth disease. Review status: no assertion criteria provided. Collection method: literature only. Allele origin: germline. Affected: yes. Not counted in ClinVar's aggregate classification.

Literature cited by the submitters: PubMed 25614874 (cited by 3 submitters); PubMed 17576681 (cited by Labcorp Genetics (formerly Invitae), Labcorp); PubMed 9536098 (cited by Labcorp Genetics (formerly Invitae), Labcorp).

NM_000530.8(MPZ):c.646-10_650del

Gene: MPZ (myelin protein zero; minus strand). Cytogenetic location: 1q23.3.
Variant type: Deletion.
Coding change: c.646-10_650del on transcript NM_000530.8 (MANE Select); 10 bases into the intron before coding-DNA position 646 through coding-DNA position 650, 15 bases deleted (CCTCCCCCAGACGCC).
Molecular consequence: splice acceptor variant.
Genome position (GRCh38, 1-based): chr1:161,305,973-161,305,987, GGCGTCTGGGGGAGG deleted on the plus strand (CCTCCCCCAGACGCC on the coding strand, the reverse complement: MPZ is on the minus strand); deleting any 15 consecutive bases within chr1:161,305,973-161,305,991 gives the same sequence; the c. name uses the placement nearest the transcript's 3' end. VCF-style (leftmost placement, unchanged base first): chr1-161305972-TGGCGTCTGGGGGAGG-T. GRCh37 (hg19) VCF-style: chr1-161275762-TGGCGTCTGGGGGAGG-T.
Other names: c.646-10_650del (NM_001315491.2, LRG_256t1).
Identifiers: ClinVar variation 217234 (VCV000217234.5), dbSNP rs863225026, ClinGen allele CA279078.
Genomic context (GRCh38, chr1:161,305,972, plus strand): 5'-GGCCTTCTTCTCACTGACAGCTTTGGTGCTTCTGCTGTGGTCCAGCATTGCATACAGCAC[TGGCGTCTGGGGGAGG>T]GGCGCACACATCAGTCACCGAGCGACTGGGGCTTGACTGTTCCCATCCCACCCCTCACTG-3'